The following is an entry in ClinVar:

ClinVar aggregate classification (germline): Uncertain significance (0 of 4 stars; one submission).

Conditions:
SH2B1-related disorder. Also called: SH2B1-related condition.

gnomAD v4.1: 12 of 1,613,770 alleles (0.00074%); highest among the groups gnomAD compares: African/African-American, 0.0013%; no homozygotes.

Submission:

PreventionGenetics, part of Exact Sciences
Classification: Uncertain significance for SH2B1-related condition. Last evaluated: 2024-03-05. Review status: no assertion criteria provided. Collection method: clinical testing. Allele origin: germline.
Comment: The SH2B1 c.1370T>C variant is predicted to result in the amino acid substitution p.Ile457Thr. To our knowledge, this variant has not been reported in the literature or in a large population database, indicating this variant is rare. At this time, the clinical significance of this variant is uncertain due to the absence of conclusive functional and genetic evidence.

NM_001387430.1(SH2B1):c.1370T>C (p.Ile457Thr)

Gene: SH2B1 (SH2B adaptor protein 1; plus strand). Cytogenetic location: 16p11.2.
Variant type: single nucleotide variant.
Coding change: c.1370T>C on transcript NM_001387430.1 (MANE Select); coding-DNA position 1370, T replaced by C.
Protein change: p.Ile457Thr; replaces isoleucine 457 with threonine.
Molecular consequence: missense variant.
Genome position (GRCh38, 1-based): chr16:28,871,840, T>C. VCF-style: chr16-28871840-T-C. GRCh37 (hg19) VCF-style: chr16-28883161-T-C.
Other names: c.1370T>C, p.Ile457Thr (NM_001145795.2, NM_001145796.2, NM_001145797.2 and 4 more transcripts); c.362T>C, p.Ile121Thr (NM_001308294.2); short protein forms I121T, I457T.
Identifiers: ClinVar variation 3348168 (VCV003348168.1).